The following is an entry in ClinVar:

NM_003000.3(SDHB):c.686A>G (p.Glu229Gly)

Gene: SDHB (succinate dehydrogenase complex iron sulfur subunit B; minus strand). Cytogenetic location: 1p36.13.
Variant type: single nucleotide variant.
Coding change: c.686A>G on transcript NM_003000.3 (MANE Select); coding-DNA position 686, A replaced by G.
Protein change: p.Glu229Gly; replaces glutamic acid 229 with glycine.
Molecular consequence: missense variant.
Genome position (GRCh38, 1-based): chr1:17,022,687, T>C on the plus strand (A>G on the coding strand, the complement: SDHB is on the minus strand). VCF-style: chr1-17022687-T-C. GRCh37 (hg19) VCF-style: chr1-17349182-T-C.
Other names: c.632A>G, p.Glu211Gly (NM_001407361.1); short protein forms E211G, E229G.
Identifiers: ClinVar variation 4782664 (VCV004782664.2).
Genomic context (GRCh38, chr1:17,022,687, plus strand): 5'-CAGTTCATGATGGTGTGGCAGCGGTATAGAGAGAATGGGTCCTGCAGCTTGGCCAGGCGC[T>C]CCTCTGTGAAGTCATCTCTGGAGTCAATCATCCAGCGATAGGCCTGGAAAACCAGGGATG-3'
Protein context (NP_002991.2, residues 219-239): MIDSRDDFTE[Glu229Gly]RLAKLQDPFS

ClinVar aggregate classification (germline): Uncertain significance. Review status: criteria provided, multiple submitters, no conflicts (2 of 4 stars). 2 submissions from 2 submitters: Uncertain significance (2). Last evaluated 2026-07-07.

Conditions:
Hereditary cancer-predisposing syndrome. Also called: Hereditary Cancer Syndrome; Hereditary neoplastic syndrome; Neoplastic Syndromes, Hereditary; Tumor predisposition. Identifiers: Orphanet 140162, MedGen C0027672, MeSH D009386, MONDO:0015356.
Pheochromocytoma. Also called: MAX-Related Hereditary Paraganglioma-Pheochromocytoma Syndrome. Identifiers: Orphanet 29072, MedGen C0031511, MONDO:0008233, OMIM 171300, HP:0002666.
Pheochromocytoma/paraganglioma syndrome 4. Also called: CAROTID BODY TUMORS AND MULTIPLE EXTRAADRENAL PHEOCHROMOCYTOMAS; PARAGANGLIOMA, FAMILIAL MALIGNANT; PARAGANGLIOMAS, HEREDITARY EXTRAADRENAL; PHEOCHROMOCYTOMA, FAMILIAL EXTRAADRENAL; Paragangliomas 4; SDHB-Related Hereditary Paraganglioma-Pheochromocytoma Syndrome (Paragangliomas 4). Identifiers: Orphanet 29072, MedGen C1861848, MONDO:0007273, OMIM 115310.
Gastrointestinal stromal tumor. Also called: Gastrointestinal stroma tumor; Gastrointestinal stromal tumor, somatic. Identifiers: Orphanet 44890, MedGen C0238198, MeSH D046152, MONDO:0011719, OMIM 606764, HP:0100723.

Submissions (2):

Ambry Genetics
Classification: Uncertain significance for Hereditary cancer-predisposing syndrome. Last evaluated: 2026-07-07. Review status: criteria provided, single submitter. Criteria: Ambry Variant Classification Scheme 2023. Collection method: clinical testing. Allele origin: germline.
Comment: The p.E229G variant (also known as c.686A>G), located in coding exon 7 of the SDHB gene, results from an A to G substitution at nucleotide position 686. The glutamic acid at codon 229 is replaced by glycine, an amino acid with similar properties. This amino acid position is conserved. In addition, this alteration is predicted to be deleterious by in silico analysis. Based on the available evidence, the clinical significance of this variant remains unclear.

Labcorp Genetics (formerly Invitae), Labcorp
Classification: Uncertain significance for Gastrointestinal stromal tumor; Pheochromocytoma/paraganglioma syndrome 4; Pheochromocytoma. Last evaluated: 2025-12-03. Review status: criteria provided, single submitter. Criteria: Invitae Variant Classification Sherloc (09022015). Collection method: clinical testing. Allele origin: germline.
Comment: This sequence change replaces glutamic acid, which is acidic and polar, with glycine, which is neutral and non-polar, at codon 229 of the SDHB protein (p.Glu229Gly). This variant is not present in population databases (gnomAD no frequency). This variant has not been reported in the literature in individuals affected with SDHB-related conditions. Invitae Evidence Modeling of protein sequence and biophysical properties (such as structural, functional, and spatial information, amino acid conservation, physicochemical variation, residue mobility, and thermodynamic stability) indicates that this missense variant is not expected to disrupt SDHB protein function with a negative predictive value of 80%. In summary, the available evidence is currently insufficient to determine the role of this variant in disease. Therefore, it has been classified as a Variant of Uncertain Significance.